The following is an entry in ClinVar:

ClinVar aggregate classification (germline): Benign (1 of 4 stars; one submission).

Conditions:
Congenital lactic acidosis, Saguenay-Lac-Saint-Jean type (MC4DN5). Also called: CYTOCHROME c OXIDASE DEFICIENCY, FRENCH CANADIAN TYPE; COX DEFICIENCY, FRENCH CANADIAN TYPE; MITOCHONDRIAL COMPLEX IV DEFICIENCY, NUCLEAR TYPE 5. Identifiers: Orphanet 70472, MedGen C1857355, MONDO:0009069, OMIM 220111.

Allele frequency attached by ClinVar (database versions not stated): gnomAD 0.00947; TOPMed 0.01046; 1000 Genomes Project 0.01258; 1000 Genomes Project 30x 0.01296.

Submission:

Illumina Laboratory Services, Illumina
Classification: Benign for Congenital lactic acidosis, Saguenay-Lac-Saint-Jean type. Last evaluated: 2018-01-13. Review status: criteria provided, single submitter. Criteria: ICSL Variant Classification Criteria 13 December 2019. Collection method: clinical testing. Allele origin: germline.
Comment: This variant was observed in the ICSL laboratory as part of a predisposition screen in an ostensibly healthy population. It had not been previously curated by ICSL or reported in the Human Gene Mutation Database (HGMD: prior to June 1st, 2018), and was therefore a candidate for classification through an automated scoring system. Utilizing variant allele frequency, disease prevalence and penetrance estimates, and inheritance mode, an automated score was calculated to assess if this variant is too frequent to cause the disease. Based on the score and internal cut-off values, a variant classified as benign is not then subjected to further curation. The score for this variant resulted in a classification of benign for this disease.

NM_133259.4(LRPPRC):c.*1343G>C

Gene: LRPPRC (leucine rich pentatricopeptide repeat containing; minus strand). Cytogenetic location: 2p21.
Variant type: single nucleotide variant.
Coding change: c.*1343G>C on transcript NM_133259.4 (MANE Select); 1343 bases downstream of the stop codon, G replaced by C.
Molecular consequence: 3 prime UTR variant.
Genome position (GRCh38, 1-based): chr2:43,887,257, C>G on the plus strand (G>C on the coding strand, the complement: LRPPRC is on the minus strand). VCF-style: chr2-43887257-C-G. GRCh37 (hg19) VCF-style: chr2-44114396-C-G.
Identifiers: ClinVar variation 336126 (VCV000336126.5), dbSNP rs75002669, ClinGen allele CA10613877.